The following is an entry in ClinVar:

ClinVar aggregate classification (germline): Benign (1 of 4 stars; one submission).

Conditions:
Erythrocytosis, familial, 3 (ECYT3). Identifiers: Orphanet 247511, MedGen C1853286, MONDO:0012353, OMIM 609820.

Allele frequency attached by ClinVar (database versions not stated): gnomAD 0.00245 and 0.00183; TOPMed 0.00200; 1000 Genomes Project 30x 0.00453; 1000 Genomes Project 0.00419.

Submission:

Illumina Laboratory Services, Illumina
Classification: Benign for Erythrocytosis, familial, 3. Last evaluated: 2018-01-12. Review status: criteria provided, single submitter. Criteria: ICSL Variant Classification Criteria 13 December 2019. Collection method: clinical testing. Allele origin: germline.
Comment: This variant was observed in the ICSL laboratory as part of a predisposition screen in an ostensibly healthy population. It had not been previously curated by ICSL or reported in the Human Gene Mutation Database (HGMD: prior to June 1st, 2018), and was therefore a candidate for classification through an automated scoring system. Utilizing variant allele frequency, disease prevalence and penetrance estimates, and inheritance mode, an automated score was calculated to assess if this variant is too frequent to cause the disease. Based on the score and internal cut-off values, a variant classified as benign is not then subjected to further curation. The score for this variant resulted in a classification of benign for this disease.

NM_022051.2(EGLN1):c.-1212A>G

Gene: EGLN1 (egl-9 family hypoxia inducible factor 1; minus strand). Cytogenetic location: 1q42.2.
Variant type: single nucleotide variant.
Coding change: c.-1212A>G on transcript NM_022051.2; 1212 bases upstream of the start codon, A replaced by G.
Genome position (GRCh38, 1-based): chr1:231,423,100, T>C on the plus strand (A>G on the coding strand, the complement: EGLN1 is on the minus strand). VCF-style: chr1-231423100-T-C. GRCh37 (hg19) VCF-style: chr1-231558846-T-C.
Identifiers: ClinVar variation 296220 (VCV000296220.7), dbSNP rs41310557, ClinGen allele CA10609498.